The following is an entry in ClinVar:

NM_001374736.1(DST):c.3202C>A (p.Leu1068Ile)

Gene: DST (dystonin; minus strand). Cytogenetic location: 6p12.1.
Variant type: single nucleotide variant.
Coding change: c.3202C>A on transcript NM_001374736.1 (MANE Select); coding-DNA position 3202, C replaced by A.
Protein change: p.Leu1068Ile; replaces leucine 1068 with isoleucine.
Molecular consequence: missense variant.
Genome position (GRCh38, 1-based): chr6:56,634,938, G>T on the plus strand (C>A on the coding strand, the complement: DST is on the minus strand). VCF-style: chr6-56634938-G-T. GRCh37 (hg19) VCF-style: chr6-56499736-G-T.
Other names: c.3103C>A, p.Leu1035Ile (NM_001144769.5); c.2689C>A, p.Leu897Ile (NM_001144770.2); c.3202C>A, p.Leu1068Ile (NM_001374722.1); c.2569C>A, p.Leu857Ile (NM_001374729.1, NM_001374730.1, NM_001386100.1 and 1 more transcripts); c.3229C>A, p.Leu1077Ile (NM_001374734.1); c.1591C>A, p.Leu531Ile (NM_001723.7, NM_015548.5); short protein forms L1035I, L1068I, L857I, L1077I, L531I, L897I.
Identifiers: ClinVar variation 1443318 (VCV001443318.6), dbSNP rs1011289583, ClinGen allele CA139217681.
Genomic context (GRCh38, chr6:56,634,938, plus strand): 5'-GTTGAATTATTGTTTTTGCTTTTCCCATTAGGTTTGCTATAGTGCTTTTGTACTGCAGAA[G>T]TTCTTCTTTCTCTTCCTAAGTAATAAATACAGTGAATTTTAAGAAGTAAAAGACTTGTAC-3'
Protein context (NP_001361665.1, residues 1058-1078): VQESMEEKEE[Leu1068Ile]LQYKSTIANL

ClinVar aggregate classification (germline): Uncertain significance (1 of 4 stars; one submission).

Conditions:
Epidermolysis bullosa simplex 3, localized or generalized intermediate, with BP230 deficiency (EBS3). Also called: Epidermolysis bullosa simplex due to BP230 deficiency; Epidermolysis bullosa simplex, autosomal recessive 2. Identifiers: Orphanet 412181, MedGen C3809470, MONDO:0014180, OMIM 615425.
Hereditary sensory and autonomic neuropathy type 6. Also called: HSAN VI; Neuropathy, hereditary sensory and autonomic, type VI. Identifiers: Orphanet 314381, MedGen C3539003, MONDO:0013839, OMIM 614653.

Allele frequency attached by ClinVar (database versions not stated): gnomAD exomes below 0.00001; gnomAD 0.00001; TOPMed 0.00002.
gnomAD v4.1: 8 of 1,612,410 alleles (0.0005%); highest among the groups gnomAD compares: African/African-American, 0.0053%; no homozygotes.

Submission:

Labcorp Genetics (formerly Invitae), Labcorp
Classification: Uncertain significance for Epidermolysis bullosa simplex 3, localized or generalized intermediate, with BP230 deficiency; Hereditary sensory and autonomic neuropathy type 6. Last evaluated: 2021-10-09. Review status: criteria provided, single submitter. Criteria: Invitae Variant Classification Sherloc (09022015). Collection method: clinical testing. Allele origin: germline.
Comment: In summary, the available evidence is currently insufficient to determine the role of this variant in disease. Therefore, it has been classified as a Variant of Uncertain Significance. Algorithms developed to predict the effect of missense changes on protein structure and function do not agree on the potential impact of this missense change (SIFT: "Deleterious"; PolyPhen-2: "Probably Damaging"; Align-GVGD: "Class C0"). This variant has not been reported in the literature in individuals with DST-related disease. This variant is not present in population databases (ExAC no frequency). This sequence change replaces leucine with isoleucine at codon 531 of the DST protein (p.Leu531Ile). The leucine residue is highly conserved and there is a small physicochemical difference between leucine and isoleucine.